The following is an entry in ClinVar:

NM_000026.4(ADSL):c.916A>G (p.Ser306Gly)

Gene: ADSL (adenylosuccinate lyase; plus strand). Cytogenetic location: 22q13.1.
Variant type: single nucleotide variant.
Coding change: c.916A>G on transcript NM_000026.4 (MANE Select); coding-DNA position 916, A replaced by G.
Protein change: p.Ser306Gly; replaces serine 306 with glycine.
Molecular consequence: missense variant. On other transcripts: non-coding transcript variant (1).
Genome position (GRCh38, 1-based): chr22:40,361,541, A>G. VCF-style: chr22-40361541-A-G. GRCh37 (hg19) VCF-style: chr22-40757545-A-G.
Other names: c.724A>G, p.Ser242Gly (NM_001317923.2); c.916A>G, p.Ser306Gly (NM_001123378.3, NM_001363840.3); short protein forms S306G, S242G.
Identifiers: ClinVar variation 407879 (VCV000407879.8), dbSNP rs1006262492, ClinGen allele CA16616389.

ClinVar aggregate classification (germline): Uncertain significance (1 of 4 stars; one submission).

Conditions:
Adenylosuccinate lyase deficiency (ADSLD). Also called: ADSL DEFICIENCY. Identifiers: Orphanet 46, MedGen C0268126, MONDO:0007068, OMIM 103050.

Submission:

Labcorp Genetics (formerly Invitae), Labcorp
Classification: Uncertain significance for Adenylosuccinate lyase deficiency. Last evaluated: 2020-06-07. Review status: criteria provided, single submitter. Criteria: Invitae Variant Classification Sherloc (09022015). Collection method: clinical testing. Allele origin: germline.
Comment: This sequence change replaces serine with glycine at codon 306 of the ADSL protein (p.Ser306Gly). The serine residue is highly conserved and there is a small physicochemical difference between serine and glycine. This variant is not present in population databases (ExAC no frequency) and has not been reported in the literature in individuals with an ADSL-related disease. Algorithms developed to predict the effect of missense changes on protein structure and function (SIFT, PolyPhen-2, Align-GVGD) all suggest that this variant is likely to be tolerated, but these predictions have not been confirmed by published functional studies. In summary, this variant is a novel missense change that is not predicted to affect protein function. There is no indication that it causes disease, but the available evidence is currently insufficient to prove that conclusively. Therefore, it has been classified as a Variant of Uncertain Significance.